The following is an entry in ClinVar:

ClinVar aggregate classification (germline): Pathogenic. Review status: criteria provided, multiple submitters, no conflicts (2 of 4 stars). 4 submissions from 4 submitters: Pathogenic (4). Last evaluated 2025-04-23.

Conditions:
GLUT1 deficiency syndrome 1, autosomal recessive. Identifiers: MedGen C3149117.
Childhood onset GLUT1 deficiency syndrome 2. Also called: GLUT1 deficiency syndrome 2; PAROXYSMAL EXERCISE-INDUCED DYSKINESIA WITH OR WITHOUT EPILEPSY AND/OR HEMOLYTIC ANEMIA; PAROXYSMAL EXERTION-INDUCED DYSTONIA WITH OR WITHOUT EPILEPSY AND/OR HEMOLYTIC ANEMIA; PED WITH OR WITHOUT EPILEPSY AND/OR HEMOLYTIC ANEMIA; Paroxysmal exercise-induced dystonia; PxMD-SLC2A1. Identifiers: Orphanet 98811, MedGen C1842534, MONDO:0012805, OMIM 612126.
Encephalopathy due to GLUT1 deficiency. Also called: GLUCOSE TRANSPORT DEFECT, BLOOD-BRAIN BARRIER; Classic Glucose Transporter Type 1 Deficiency Syndrome; De Vivo disease; GLUT1 deficiency syndrome 1; Glucose transporter protein syndrome; GLUT1 deficiency syndrome 1, infantile onset, severe. Identifiers: Orphanet 71277, MedGen C4551966, MONDO:0011724, OMIM 606777.

Submissions (4):

GeneDx
Classification: Pathogenic. Last evaluated: 2025-04-23. Review status: criteria provided, single submitter. Criteria: GeneDx Variant Classification Process June 2021. Collection method: clinical testing. Allele origin: germline. Affected: yes.
Comment: Canonical splice site variant predicted to result in a null allele in a gene for which loss of function is a known mechanism of disease; Not observed at significant frequency in large population cohorts (gnomAD); Also known as 197+1G>A; This variant is associated with the following publications: (PMID: 20129935, 29655203, 10980529, 40217381)

Genome-Nilou Lab
Classification: Pathogenic for Encephalopathy due to GLUT1 deficiency. Last evaluated: 2023-04-11. Review status: criteria provided, single submitter. Criteria: ACMG Guidelines, 2015. Collection method: clinical testing. Allele origin: germline. Affected: no.

Labcorp Genetics (formerly Invitae), Labcorp
Classification: Pathogenic for GLUT1 deficiency syndrome 1, autosomal recessive. Last evaluated: 2022-07-02. Review status: criteria provided, single submitter. Criteria: Invitae Variant Classification Sherloc (09022015). Collection method: clinical testing. Allele origin: germline.
Comment: For these reasons, this variant has been classified as Pathogenic. Algorithms developed to predict the effect of sequence changes on RNA splicing suggest that this variant may disrupt the consensus splice site. ClinVar contains an entry for this variant (Variation ID: 207184). This variant is also known as 197+1G>A. Disruption of this splice site has been observed in individual(s) with GLUT1-deficiency syndrome (PMID: 10980529, 20129935). This variant is not present in population databases (gnomAD no frequency). This sequence change affects a donor splice site in intron 1 of the SLC2A1 gene. It is expected to disrupt RNA splicing. Variants that disrupt the donor or acceptor splice site typically lead to a loss of protein function (PMID: 16199547), and loss-of-function variants in SLC2A1 are known to be pathogenic (PMID: 21832227, 26193382).

Juno Genomics, Hangzhou Juno Genomics, Inc
Classification: Pathogenic for Childhood onset GLUT1 deficiency syndrome 2. Review status: criteria provided, single submitter. Criteria: ACMG Guidelines, 2015. Collection method: clinical testing. Allele origin: germline. Affected: yes.
Comment: Absent from controls (or at extremely low frequency if recessive) in Genome Aggregation Database.;Null variant in a gene where loss of function (LOF) is a known mechanism of disease.;The prevalence of the variant in affected individuals is significantly increased compared to the prevalence in controls.;Patient's phenotype or family history is highly specific for a disease with a single genetic etiology.

Literature cited by the submitters: PubMed 10980529 (cited by Labcorp Genetics (formerly Invitae), Labcorp); PubMed 20129935 (cited by Labcorp Genetics (formerly Invitae), Labcorp); PubMed 16199547 (cited by Labcorp Genetics (formerly Invitae), Labcorp); PubMed 21832227 (cited by Labcorp Genetics (formerly Invitae), Labcorp); PubMed 26193382 (cited by Labcorp Genetics (formerly Invitae), Labcorp).

NM_006516.4(SLC2A1):c.18+1G>A

Gene: SLC2A1 (solute carrier family 2 member 1; minus strand). Cytogenetic location: 1p34.2.
Variant type: single nucleotide variant.
Coding change: c.18+1G>A on transcript NM_006516.4 (MANE Select); the canonical splice donor site of the intron after coding-DNA position 18, G replaced by A.
Molecular consequence: splice donor variant.
Genome position (GRCh38, 1-based): chr1:42,958,633, C>T on the plus strand (G>A on the coding strand, the complement: SLC2A1 is on the minus strand). VCF-style: chr1-42958633-C-T. GRCh37 (hg19) VCF-style: chr1-43424304-C-T.
Identifiers: ClinVar variation 207184 (VCV000207184.10), dbSNP rs80359841, ClinGen allele CA318416.